The following is an entry in ClinVar:

ClinVar aggregate classification (germline): Benign/Likely benign. Review status: criteria provided, multiple submitters, no conflicts (2 of 4 stars). 3 submissions from 3 submitters: Benign (1); Likely benign (2). Last evaluated 2025-12-17.

Conditions:
Hereditary cancer-predisposing syndrome. Also called: Tumor predisposition; Neoplastic Syndromes, Hereditary; Hereditary neoplastic syndrome; Hereditary Cancer Syndrome. Identifiers: Orphanet 140162, MedGen C0027672, MeSH D009386, MONDO:0015356.
Renal cell carcinoma. Identifiers: Orphanet 217071, MedGen C0007134, MeSH D002292, MONDO:0005086, HP:0005584.
Papillary renal cell carcinoma type 1 (RCCP1). Also called: RENAL CELL CARCINOMA, PAPILLARY, 1, SOMATIC; Renal adenocarcinoma; Renal cell carcinoma 1; Renal cell carcinoma, somatic. Identifiers: Orphanet 47044, MedGen C1336839, OMIM 605074, HP:0011797.

Allele frequency attached by ClinVar (database versions not stated): gnomAD 0.00001; TOPMed 0.00001.
gnomAD v4.1: 1 of 1,613,786 alleles (0.000062%); highest among the groups gnomAD compares: Non-Finnish European, 0.000085%; no homozygotes.

Submissions (3):

Labcorp Genetics (formerly Invitae), Labcorp
Classification: Likely benign for Renal cell carcinoma. Last evaluated: 2025-12-17. Review status: criteria provided, single submitter. Criteria: Invitae Variant Classification Sherloc (09022015). Collection method: clinical testing. Allele origin: germline.

Myriad Genetics, Inc.
Classification: Benign for Papillary renal cell carcinoma type 1. Last evaluated: 2024-11-13. Review status: criteria provided, single submitter. Criteria: Myriad Autosomal Dominant, Autosomal Recessive and X-Linked Classification Criteria (2023). Collection method: clinical testing. Allele origin: unknown.
Comment: This variant is considered benign. This variant is a silent/synonymous amino acid change and it is not expected to impact splicing.

Ambry Genetics
Classification: Likely benign for Hereditary cancer-predisposing syndrome. Last evaluated: 2024-07-15. Review status: criteria provided, single submitter. Criteria: Ambry Variant Classification Scheme 2023. Collection method: clinical testing. Allele origin: germline.

NM_000245.4(MET):c.3292T>C (p.Leu1098=)

Gene: MET (MET proto-oncogene, receptor tyrosine kinase; plus strand). Cytogenetic location: 7q31.2.
Variant type: single nucleotide variant.
Coding change: c.3292T>C on transcript NM_000245.4 (MANE Select); coding-DNA position 3292, T replaced by C.
Protein change: p.Leu1098=; no amino-acid change (leucine 1098 retained).
Molecular consequence: synonymous variant.
Genome position (GRCh38, 1-based): chr7:116,777,421, T>C. VCF-style: chr7-116777421-T-C. GRCh37 (hg19) VCF-style: chr7-116417475-T-C.
Other names: c.3346T>C, p.Leu1116= (NM_001127500.3); c.2002T>C, p.Leu668= (NM_001324402.2); c.3346T>C (LRG_662t1).
Identifiers: ClinVar variation 416932 (VCV000416932.12), dbSNP rs978734201, ClinGen allele CA16612163.